The following is an entry in ClinVar:

NM_000222.3(KIT):c.1139C>G (p.Thr380Arg)

Gene: KIT (KIT proto-oncogene, receptor tyrosine kinase; plus strand). Cytogenetic location: 4q12.
Variant type: single nucleotide variant.
Coding change: c.1139C>G on transcript NM_000222.3 (MANE Select); coding-DNA position 1139, C replaced by G.
Protein change: p.Thr380Arg; replaces threonine 380 with arginine.
Molecular consequence: missense variant.
Genome position (GRCh38, 1-based): chr4:54,709,447, C>G. VCF-style: chr4-54709447-C-G. GRCh37 (hg19) VCF-style: chr4-55575613-C-G.
Other names: c.1139C>G, p.Thr380Arg (NM_001093772.2, NM_001385285.1, NM_001385286.1); c.1142C>G, p.Thr381Arg (NM_001385284.1, NM_001385288.1, NM_001385290.1 and 1 more transcripts); short protein forms T380R, T381R.
Identifiers: ClinVar variation 1399479 (VCV001399479.3), dbSNP rs760981584, ClinGen allele CA356902122.
Genomic context (GRCh38, chr4:54,709,447, plus strand): 5'-ATCCACAGGTGATTGACTAGTTGTCTTTTCTTTGTAGATACGTAAGTGAACTTCATCTAA[C>G]GAGATTAAAAGGCACCGAAGGAGGCACTTACACATTCCTAGTGTCCAATTCTGACGTCAA-3'
Protein context (NP_000213.1, residues 370-390): NIRYVSELHL[Thr380Arg]RLKGTEGGTY

ClinVar aggregate classification (germline): Uncertain significance (1 of 4 stars; one submission).

Conditions:
Gastrointestinal stromal tumor. Also called: Gastrointestinal stroma tumor; Gastrointestinal stromal tumor, somatic. Identifiers: Orphanet 44890, MedGen C0238198, MeSH D046152, MONDO:0011719, OMIM 606764, HP:0100723.

Submission:

Labcorp Genetics (formerly Invitae), Labcorp
Classification: Uncertain significance for Gastrointestinal stromal tumor. Last evaluated: 2021-10-02. Review status: criteria provided, single submitter. Criteria: Invitae Variant Classification Sherloc (09022015). Collection method: clinical testing. Allele origin: germline.
Comment: This sequence change replaces threonine with arginine at codon 380 of the KIT protein (p.Thr380Arg). The threonine residue is highly conserved and there is a moderate physicochemical difference between threonine and arginine. This variant is not present in population databases (ExAC no frequency). This variant has not been reported in the literature in individuals affected with KIT-related conditions. Algorithms developed to predict the effect of missense changes on protein structure and function are either unavailable or do not agree on the potential impact of this missense change (SIFT: "Deleterious"; PolyPhen-2: "Probably Damaging"; Align-GVGD: "Class C0"). In summary, the available evidence is currently insufficient to determine the role of this variant in disease. Therefore, it has been classified as a Variant of Uncertain Significance.